The following is an entry in ClinVar:

ClinVar aggregate classification (germline): Uncertain significance (1 of 4 stars; one submission).

Conditions:
Niemann-Pick disease, type C1. Also called: NEUROVISCERAL STORAGE DISEASE WITH VERTICAL SUPRANUCLEAR OPHTHALMOPLEGIA; NIEMANN-PICK DISEASE WITH CHOLESTEROL ESTERIFICATION BLOCK; NIEMANN-PICK DISEASE WITHOUT SPHINGOMYELINASE DEFICIENCY; NIEMANN-PICK DISEASE, CHRONIC NEURONOPATHIC FORM; NIEMANN-PICK DISEASE, VARIANT TYPE C1. Identifiers: Orphanet 646, MedGen C3179455, MONDO:0009757, OMIM 257220.

Allele frequency attached by ClinVar (database versions not stated): gnomAD exomes below 0.00001.

Submission:

Labcorp Genetics (formerly Invitae), Labcorp
Classification: Uncertain significance for Niemann-Pick disease, type C1. Last evaluated: 2021-08-27. Review status: criteria provided, single submitter. Criteria: Invitae Variant Classification Sherloc (09022015). Collection method: clinical testing. Allele origin: germline.
Comment: This sequence change replaces methionine with isoleucine at codon 1001 of the NPC1 protein (p.Met1001Ile). The methionine residue is moderately conserved and there is a small physicochemical difference between methionine and isoleucine. This variant is not present in population databases (ExAC no frequency). This variant has not been reported in the literature in individuals affected with NPC1-related conditions. Advanced modeling of protein sequence and biophysical properties (such as structural, functional, and spatial information, amino acid conservation, physicochemical variation, residue mobility, and thermodynamic stability) performed at Invitae indicates that this missense variant is expected to disrupt NPC1 protein function. This variant disrupts the p.Met1001 amino acid residue in NPC1. Other variant(s) that disrupt this residue have been observed in individuals with NPC1-related conditions (PMID: 23487299, 23773996), which suggests that this may be a clinically significant amino acid residue. In summary, the available evidence is currently insufficient to determine the role of this variant in disease. Therefore, it has been classified as a Variant of Uncertain Significance.

Literature cited by the submitters: PubMed 23487299; PubMed 23773996.

NM_000271.5(NPC1):c.3003G>A (p.Met1001Ile)

Gene: NPC1 (NPC intracellular cholesterol transporter 1; minus strand). Cytogenetic location: 18q11.2.
Variant type: single nucleotide variant.
Coding change: c.3003G>A on transcript NM_000271.5 (MANE Select); coding-DNA position 3003, G replaced by A.
Protein change: p.Met1001Ile; replaces methionine 1001 with isoleucine.
Molecular consequence: missense variant.
Genome position (GRCh38, 1-based): chr18:23,538,580, C>T on the plus strand (G>A on the coding strand, the complement: NPC1 is on the minus strand). VCF-style: chr18-23538580-C-T. GRCh37 (hg19) VCF-style: chr18-21118544-C-T.
Other names: short protein forms M1001I.
Identifiers: ClinVar variation 1371500 (VCV001371500.5), dbSNP rs2145366464, ClinGen allele CA401792160.